The following is an entry in ClinVar:

ClinVar aggregate classification (germline): Conflicting classifications of pathogenicity. Review status: criteria provided, conflicting classifications (1 of 4 stars). 10 submissions from 10 submitters: Uncertain significance (1); Likely benign (7). 2 of the submissions do not count toward it. Last evaluated 2026-06-08.

Conditions:
BRCA1-related disorder. Also called: BRCA1-related condition.
Hereditary cancer-predisposing syndrome. Also called: Tumor predisposition; Neoplastic Syndromes, Hereditary; Hereditary neoplastic syndrome; Hereditary Cancer Syndrome. Identifiers: Orphanet 140162, MedGen C0027672, MeSH D009386, MONDO:0015356.
Hereditary breast ovarian cancer syndrome. Also called: Hereditary breast and ovarian cancer syndrome; Hereditary breast and ovarian cancer; Hereditary breast and ovarian cancer syndrome (HBOC); Hereditary breast and/or ovarian cancer syndrome; BRCA1- and BRCA2-Associated Hereditary Breast and Ovarian Cancer; Breast and ovarian cancer. Identifiers: Orphanet 145, MedGen C0677776, MeSH D061325, MONDO:0003582. Disease mechanism: loss of function.
Familial cancer of breast. Also called: BREAST CANCER, FAMILIAL; Hereditary breast cancer; hereditary breast carcinoma. Identifiers: Orphanet 227535, MedGen C0346153, MONDO:0016419, OMIM 114480. Disease mechanism: loss of function.

Allele frequency attached by ClinVar (database versions not stated): gnomAD 0.00001; gnomAD exomes 0.00002 and 0.00008; ExAC 0.00003; TOPMed 0.00004.
gnomAD v4.1: 28 of 1,613,958 alleles (0.0017%); highest among the groups gnomAD compares: East Asian, 0.058%; no homozygotes.

Submissions (10):

PreventionGenetics, part of Exact Sciences
Classification: Likely benign for BRCA1-related condition. Last evaluated: 2026-06-08. Review status: criteria provided, single submitter. Criteria: ACMG Guidelines, 2015. Collection method: clinical testing. Allele origin: germline.
Comment: This variant is classified as likely benign based on ACMG/AMP sequence variant interpretation guidelines (Richards et al. 2015 PMID: 25741868, with internal and published modifications).

Labcorp Genetics (formerly Invitae), Labcorp
Classification: Likely benign for Hereditary breast ovarian cancer syndrome. Last evaluated: 2026-02-02. Review status: criteria provided, single submitter. Criteria: Invitae Variant Classification Sherloc (09022015). Collection method: clinical testing. Allele origin: germline.

Women's Health and Genetics/Laboratory Corporation of America, LabCorp
Classification: Likely benign. Last evaluated: 2024-05-21. Review status: criteria provided, single submitter. Criteria: LabCorp Variant Classification Summary - May 2015. Collection method: clinical testing. Allele origin: germline.
Comment: Variant summary: BRCA1 c.3596C>T (p.Ala1199Val) results in a non-conservative amino acid change in the encoded protein sequence. Four of five in-silico tools predict a benign effect of the variant on protein function. The variant allele was found at a frequency of 8e-05 in 251572 control chromosomes, predominantly at a frequency of 0.00098 within the East Asian subpopulation in the gnomAD database. This frequency is not significantly higher than estimated for a pathogenic variant in BRCA1 causing Hereditary Breast And Ovarian Cancer Syndrome (8e-05 vs 0.001), allowing no conclusion about variant significance. c.3596C>T has been reported in the literature in individuals affected with Breast and/or Ovarian Cancer (example, Carney_2010, Suter_2004, Luo_2022). These report(s) do not provide unequivocal conclusions about association of the variant with Hereditary Breast And Ovarian Cancer Syndrome. At least one publication reports experimental evidence evaluating an impact on protein function (example, Bouwman_2020). These results showed no damaging effect of this variant on homologous recombination DNA repair (HRR). These results showed no damaging effect of this variant. The following publications have been ascertained in the context of this evaluation (PMID: 14973102, 21218378, 32546644, 35300142). ClinVar contains an entry for this variant (Variation ID: 142428). Based on the evidence outlined above, the variant was classified as likely benign.

University of Washington Department of Laboratory Medicine, University of Washington
Classification: Likely benign for Hereditary cancer-predisposing syndrome. Last evaluated: 2023-03-23. Review status: criteria provided, single submitter. Criteria: Dines et al. (Genet Med. 2020). Collection method: curation. Allele origin: germline.
Comment: Missense variant in a coldspot region where missense variants are very unlikely to be pathogenic (PMID:31911673).

BRCA1 coldspot (exon 11 using historical exon numbering). Reclassification based on statistical prior probability

GeneDx
Classification: Uncertain significance. Last evaluated: 2018-11-06. Review status: criteria provided, single submitter. Criteria: GeneDx Variant Classification (06012015). Collection method: clinical testing. Allele origin: germline. Affected: yes.
Comment: This variant is denoted BRCA1 c.3596C>T at the cDNA level, p.Ala1199Val (A1199V) at the protein level, and results in the change of an Alanine to a Valine (GCT>GTT). Using alternate nomenclature, this variant has been previously published as BRCA1 3715C>T. This variant has been identified in at least one breast cancer case, but has also been detected in unaffected individuals (Suter 2004, Carney 2010). BRCA1 Ala1199Val was observed at an allele frequency of 0.1% (19/18,798) in individuals of East Asian ancestry in large population cohorts (Lek 2016). Since Alanine and Valine share similar properties, this is considered a conservative amino acid substitution. BRCA1 Ala1199Val is not located in a known functional domain. In silico analysis, which includes protein predictors and evolutionary conservation, supports a deleterious effect. Based on currently available evidence, it is unclear whether BRCA1 Ala1199Val is pathogenic or benign. We consider it to be a variant of uncertain significance.

Quest Diagnostics Nichols Institute San Juan Capistrano
Classification: Likely benign. Last evaluated: 2018-09-18. Review status: criteria provided, single submitter. Criteria: Quest Diagnostics criteria. Collection method: clinical testing. Allele origin: germline.

Ambry Genetics
Classification: Likely benign for Hereditary cancer-predisposing syndrome. Last evaluated: 2017-05-27. Review status: criteria provided, single submitter. Criteria: Ambry Variant Classification Scheme 2023. Collection method: clinical testing. Allele origin: germline.

Color Diagnostics, LLC DBA Color Health
Classification: Likely benign for Hereditary cancer-predisposing syndrome. Last evaluated: 2017-01-13. Review status: criteria provided, single submitter. Criteria: ACMG Guidelines, 2015. Collection method: clinical testing. Allele origin: germline.

Center for Precision Medicine, Meizhou People's Hospital
Classification: Likely benign for Familial cancer of breast. Review status: no assertion criteria provided. Collection method: literature only. Allele origin: germline. Affected: yes. Not counted in ClinVar's aggregate classification.

Department of Pathology and Laboratory Medicine, Sinai Health System
Classification: Likely benign. Review status: no assertion criteria provided. Collection method: clinical testing. Allele origin: unknown. Affected: yes. Observed: 1 variant allele. Study: The Canadian Open Genetics Repository (COGR). Not counted in ClinVar's aggregate classification.

Literature cited by the submitters: PubMed 14973102 (cited by 4 submitters); PubMed 21218378 (cited by 4 submitters); PubMed 32546644 (cited by Women's Health and Genetics/Laboratory Corporation of America, LabCorp); PubMed 35300142 (cited by Women's Health and Genetics/Laboratory Corporation of America, LabCorp).

NM_007294.4(BRCA1):c.3596C>T (p.Ala1199Val)

Genes: BRCA1 (BRCA1 DNA repair associated; minus strand), LOC126862571 (BRD4-independent group 4 enhancer GRCh37_chr17:41243136-41244335; plus strand). Cytogenetic location: 17q21.31.
Variant type: single nucleotide variant.
Coding change: c.3596C>T on transcript NM_007294.4 (MANE Select); coding-DNA position 3596, C replaced by T.
Protein change: p.Ala1199Val; replaces alanine 1199 with valine.
Molecular consequence: missense variant. On other transcripts: intron variant (135).
Genome position (GRCh38, 1-based): chr17:43,091,935, G>A on the plus strand (C>T on the coding strand, the complement: BRCA1 is on the minus strand). VCF-style: chr17-43091935-G-A. GRCh37 (hg19) VCF-style: chr17-41243952-G-A.
Other names: c.3383C>T, p.Ala1128Val (NM_001407571.1, NM_001407853.1, NM_001407894.1 and 9 more transcripts); c.3596C>T, p.Ala1199Val (NM_001407581.1, NM_001407582.1, NM_001407583.1 and 30 more transcripts); c.3593C>T, p.Ala1198Val (NM_001407587.1, NM_001407610.1, NM_001407611.1 and 22 more transcripts); c.3587C>T, p.Ala1196Val (NM_001407646.1, NM_001407647.1); c.3473C>T, p.Ala1158Val (NM_001407648.1, NM_001407664.1, NM_001407665.1 and 19 more transcripts); c.3470C>T, p.Ala1157Val (NM_001407649.1, NM_001407670.1, NM_001407671.1 and 11 more transcripts); c.3518C>T, p.Ala1173Val (NM_001407653.1, NM_001407654.1, NM_001407655.1 and 4 more transcripts); c.3515C>T, p.Ala1172Val (NM_001407659.1, NM_001407660.1, NM_001407661.1 and 1 more transcripts); and 41 more; short protein forms A1199V, A1152V, A1071V, A1128V, A1158V, A1196V, A903V, A1072V.
Identifiers: ClinVar variation 142428 (VCV000142428.31), dbSNP rs587782458, ClinGen allele CA002294.
Genomic context (GRCh38, chr17:43,091,935, plus strand): 5'-TCACTAGATAAGTTCTCTTCTGAGGACTCTAATTTCTTGGCCCCTCTTCGGTAACCCTGA[G>A]CCAAATGTGTATGGGTGAAAGGGCTAGGACTCCTGCTAAGCTCTCCTTTCTGGACGCTTT-3'
Protein context (NP_009225.1, residues 1189-1209): SPSPFTHTHL[Ala1199Val]QGYRRGAKKL